The following is an entry in ClinVar:

ClinVar aggregate classification (germline): Conflicting classifications of pathogenicity. Review status: criteria provided, conflicting classifications (1 of 4 stars). 5 submissions from 5 submitters: Uncertain significance (4); Likely benign (1). Last evaluated 2024-11-12.

Conditions:
Hereditary cancer-predisposing syndrome. Also called: Hereditary neoplastic syndrome; Neoplastic Syndromes, Hereditary; Hereditary Cancer Syndrome; Tumor predisposition. Identifiers: Orphanet 140162, MedGen C0027672, MeSH D009386, MONDO:0015356.
Familial cancer of breast. Also called: Hereditary breast cancer; BREAST CANCER, FAMILIAL; hereditary breast carcinoma. Identifiers: Orphanet 227535, MedGen C0346153, MONDO:0016419, OMIM 114480. Disease mechanism: loss of function.

Allele frequency attached by ClinVar (database versions not stated): TOPMed below 0.00001.
gnomAD v4.1: 2 of 1,614,090 alleles (0.00012%); highest among the groups gnomAD compares: Non-Finnish European, 0.00017%; no homozygotes.

Submissions (5):

Ambry Genetics
Classification: Likely benign for Hereditary cancer-predisposing syndrome. Last evaluated: 2024-11-12. Review status: criteria provided, single submitter. Criteria: Ambry Variant Classification Scheme 2023. Collection method: clinical testing. Allele origin: germline.

Labcorp Genetics (formerly Invitae), Labcorp
Classification: Uncertain significance for Familial cancer of breast. Last evaluated: 2024-07-01. Review status: criteria provided, single submitter. Criteria: Invitae Variant Classification Sherloc (09022015). Collection method: clinical testing. Allele origin: germline.
Comment: This sequence change replaces proline, which is neutral and non-polar, with alanine, which is neutral and non-polar, at codon 191 of the PALB2 protein (p.Pro191Ala). This variant is not present in population databases (gnomAD no frequency). This variant has not been reported in the literature in individuals affected with PALB2-related conditions. ClinVar contains an entry for this variant (Variation ID: 128146). An algorithm developed to predict the effect of missense changes on protein structure and function (PolyPhen-2) suggests that this variant is likely to be disruptive. In summary, the available evidence is currently insufficient to determine the role of this variant in disease. Therefore, it has been classified as a Variant of Uncertain Significance.

Color Diagnostics, LLC DBA Color Health
Classification: Uncertain significance for Hereditary cancer-predisposing syndrome. Last evaluated: 2021-03-17. Review status: criteria provided, single submitter. Criteria: ACMG Guidelines, 2015. Collection method: clinical testing. Allele origin: germline.
Comment: This missense variant replaces proline with alanine at codon 191 of the PALB2 protein. Computational prediction suggests that this variant may not impact protein structure and function (internally defined REVEL score threshold <= 0.5, PMID: 27666373). To our knowledge, functional studies have not been reported for this variant. This variant has been reported in individuals affected with breast cancer (PMID: 26283626, 28779002). This variant has not been identified in the general population by the Genome Aggregation Database (gnomAD). The available evidence is insufficient to determine the role of this variant in disease conclusively. Therefore, this variant is classified as a Variant of Uncertain Significance.

Cancer Genetics Laboratory, Peter MacCallum Cancer Centre
Classification: Uncertain significance for Familial cancer of breast. Last evaluated: 2015-06-01. Review status: criteria provided, single submitter. Criteria: Thompson et al. (Breast Cancer Res. 2015). Collection method: case-control. Allele origin: germline. Affected: no. Observed: 1 variant allele, 1 heterozygote.

GeneDx
Classification: Uncertain significance. Last evaluated: 2013-11-05. Review status: criteria provided, single submitter. Criteria: GeneDx Variant Classification (06012015). Collection method: clinical testing. Allele origin: germline. Affected: yes.
Comment: This variant is denoted PALB2 c.571C>G at the cDNA level, p.Pro191Ala (P191A) at the protein level, and results in the change of a Proline to an Alanine (CCA>GCA). This variant has not, to our knowledge, been published in the literature as pathogenic or benign. PALB2 Pro191Ala was not observed in approximately 6,500 individuals of European and African American ancestry in the NHLBI Exome Sequencing Project, indicating it is not a common benign variant in these populations. This variant is a conservative substitution of one neutral non-polar amino acid for another, altering a position that is only moderately conserved throughout evolution and is not located in a known functional domain. In silico analyses predict this variant to have a benign effect on protein structure and function. Based on the currently available information, we consider PALB2 Pro191Ala to be a variant of uncertain significance.

Literature cited by the submitters: PubMed 26283626 (cited by Ambry Genetics); PubMed 28779002 (cited by Ambry Genetics).

NM_024675.4(PALB2):c.571C>G (p.Pro191Ala)

Gene: PALB2 (partner and localizer of BRCA2; minus strand). Cytogenetic location: 16p12.2.
Variant type: single nucleotide variant.
Coding change: c.571C>G on transcript NM_024675.4 (MANE Select); coding-DNA position 571, C replaced by G.
Protein change: p.Pro191Ala; replaces proline 191 with alanine.
Molecular consequence: missense variant.
Genome position (GRCh38, 1-based): chr16:23,635,975, G>C on the plus strand (C>G on the coding strand, the complement: PALB2 is on the minus strand). VCF-style: chr16-23635975-G-C. GRCh37 (hg19) VCF-style: chr16-23647296-G-C.
Other names: p.P191A:CCA>GCA; short protein forms P191A.
Identifiers: ClinVar variation 128146 (VCV000128146.20), dbSNP rs587780221, ClinGen allele CA288492.